The following is an entry in ClinVar:

NM_000161.3(GCH1):c.343+3C>T

Gene: GCH1 (GTP cyclohydrolase 1; minus strand). Cytogenetic location: 14q22.2.
Variant type: single nucleotide variant.
Coding change: c.343+3C>T on transcript NM_000161.3 (MANE Select); 3 bases into the intron after coding-DNA position 343, C replaced by T.
Molecular consequence: intron variant.
Genome position (GRCh38, 1-based): chr14:54,902,318, G>A on the plus strand (C>T on the coding strand, the complement: GCH1 is on the minus strand). VCF-style: chr14-54902318-G-A. GRCh37 (hg19) VCF-style: chr14-55369036-G-A.
Other names: c.343+3C>T (NM_001024071.2, NM_001024070.2, NM_001024024.2).
Identifiers: ClinVar variation 2293951 (VCV002293951.7), dbSNP rs781034069, ClinGen allele CA7193632.
Genomic context (GRCh38, chr14:54,902,318, plus strand): 5'-CGCGTTTCCTGCAAGCACCGCCCCCGCCGCCCGCACGCTCTAGCAGCCCGCGGGCGCACT[G>A]ACCTGAGATGGTCTCCTGGTAGCCCTTGGTGAAGAACTGCATGGCCGAGGCCGCCCTCCA-3'

ClinVar aggregate classification (germline): Uncertain significance. Review status: criteria provided, multiple submitters, no conflicts (2 of 4 stars). 3 submissions from 3 submitters: Uncertain significance (3). Last evaluated 2025-11-06.

Conditions:
Inborn genetic diseases. Identifiers: MedGen C0950123, MeSH D030342.
GTP cyclohydrolase I deficiency. Identifiers: MedGen C0268467, MONDO:0100184.
Dystonia 5 (DRD). Also called: DYSTONIA, PROGRESSIVE, WITH DIURNAL VARIATION; DYSTONIA-PARKINSONISM WITH DIURNAL FLUCTUATION; GTP Cyclohydrolase 1-Deficient Dopa-Responsive Dystonia; Dystonia, DOPA-responsive, with or without hyperphenylalaninemia; DYT-GCH1. Identifiers: Orphanet 98808, MedGen C1851920, MONDO:0007495, OMIM 128230.

Allele frequency attached by ClinVar (database versions not stated): gnomAD exomes below 0.00001; ExAC 0.00001; TOPMed 0.00003; gnomAD 0.00005.
gnomAD v4.1: 10 of 1,611,872 alleles (0.00062%); highest among the groups gnomAD compares: African/African-American, 0.013%; no homozygotes.

Submissions (3):

Dasa
Classification: Uncertain significance. Last evaluated: 2025-11-06. Review status: criteria provided, single submitter. Criteria: DASA Assertion Criteria. Collection method: clinical testing. Allele origin: germline.
Comment: NM_000161.3(GCH1):c.343+3C>T is a splice-region variant. This variant is rare in population databases. Computational prediction algorithms are consistent with a benign effect. The currently available literature and clinical evidence are not sufficient to establish a definitive association between this variant and the reported condition. Therefore, this variant is classified as a variant of uncertain significance.

Labcorp Genetics (formerly Invitae), Labcorp
Classification: Uncertain significance for GTP cyclohydrolase I deficiency; Dystonia 5. Last evaluated: 2023-11-18. Review status: criteria provided, single submitter. Criteria: Invitae Variant Classification Sherloc (09022015). Collection method: clinical testing. Allele origin: germline.
Comment: This sequence change falls in intron 1 of the GCH1 gene. It does not directly change the encoded amino acid sequence of the GCH1 protein. It affects a nucleotide within the consensus splice site. This variant is present in population databases (rs781034069, gnomAD 0.007%). This variant has not been reported in the literature in individuals affected with GCH1-related conditions. ClinVar contains an entry for this variant (Variation ID: 2293951). Variants that disrupt the consensus splice site are a relatively common cause of aberrant splicing (PMID: 17576681, 9536098). Algorithms developed to predict the effect of sequence changes on RNA splicing suggest that this variant is not likely to affect RNA splicing. In summary, the available evidence is currently insufficient to determine the role of this variant in disease. Therefore, it has been classified as a Variant of Uncertain Significance.

Ambry Genetics
Classification: Uncertain significance for Inborn genetic diseases. Last evaluated: 2022-06-17. Review status: criteria provided, single submitter. Criteria: Ambry Variant Classification Scheme 2023. Collection method: clinical testing. Allele origin: germline.
Comment: The c.343+3C>T intronic alteration consists of a C to T substitution 3 nucleotides after exon 1 of the GCH1 gene. Based on insufficient or conflicting evidence, the clinical significance of this alteration remains unclear.

Literature cited by the submitters: PubMed 17576681 (cited by Labcorp Genetics (formerly Invitae), Labcorp); PubMed 9536098 (cited by Labcorp Genetics (formerly Invitae), Labcorp).